The following is an entry in ClinVar:

NM_019066.5(MAGEL2):c.554C>T (p.Pro185Leu)

Gene: MAGEL2 (MAGE family member L2; minus strand). Cytogenetic location: 15q11.2.
Variant type: single nucleotide variant.
Coding change: c.554C>T on transcript NM_019066.5 (MANE Select); coding-DNA position 554, C replaced by T.
Protein change: p.Pro185Leu; replaces proline 185 with leucine.
Molecular consequence: missense variant.
Genome position (GRCh38, 1-based): chr15:23,647,189, G>A on the plus strand (C>T on the coding strand, the complement: MAGEL2 is on the minus strand). VCF-style: chr15-23647189-G-A. GRCh37 (hg19) VCF-style: chr15-23892336-G-A.
Other names: short protein forms P185L.
Identifiers: ClinVar variation 1926267 (VCV001926267.5), dbSNP rs925740739, ClinGen allele CA267661393.

ClinVar aggregate classification (germline): Uncertain significance (1 of 4 stars; one submission).

Allele frequency attached by ClinVar (database versions not stated): gnomAD exomes below 0.00001; gnomAD 0.00001; TOPMed 0.00001.
gnomAD v4.1: 4 of 1,521,682 alleles (0.00026%); highest among the groups gnomAD compares: Admixed American, 0.002%; no homozygotes.

Submission:

Labcorp Genetics (formerly Invitae), Labcorp
Classification: Uncertain significance. Last evaluated: 2025-10-04. Review status: criteria provided, single submitter. Criteria: Invitae Variant Classification Sherloc (09022015). Collection method: clinical testing. Allele origin: germline.
Comment: This sequence change replaces proline, which is neutral and non-polar, with leucine, which is neutral and non-polar, at codon 185 of the MAGEL2 protein (p.Pro185Leu). This variant is present in population databases (no rsID available, gnomAD 0.007%). This variant has not been reported in the literature in individuals affected with MAGEL2-related conditions. ClinVar contains an entry for this variant (Variation ID: 1926267). Experimental studies and prediction algorithms are not available or were not evaluated, and the functional significance of this variant is currently unknown. In summary, the available evidence is currently insufficient to determine the role of this variant in disease. Therefore, it has been classified as a Variant of Uncertain Significance.